The following is an entry in ClinVar:

ClinVar aggregate classification (germline): Uncertain significance. Review status: criteria provided, multiple submitters, no conflicts (2 of 4 stars). 8 submissions from 8 submitters: Uncertain significance (4). 4 of the submissions do not count toward it. Last evaluated 2026-01-31.

Conditions:
Arrhythmogenic right ventricular dysplasia 13. Also called: ARRHYTHMOGENIC RIGHT VENTRICULAR CARDIOMYOPATHY 13; Arrhythmogenic right ventricular dysplasia, familial, 13. Identifiers: MedGen C3810138, MONDO:0000908, OMIM 615616.

Submissions (8):

Labcorp Genetics (formerly Invitae), Labcorp
Classification: Uncertain significance for Arrhythmogenic right ventricular dysplasia 13. Last evaluated: 2026-01-31. Review status: criteria provided, single submitter. Criteria: Invitae Variant Classification Sherloc (09022015). Collection method: clinical testing. Allele origin: germline.
Comment: This sequence change creates a premature translational stop signal (p.Ile880Asnfs*9) in the CTNNA3 gene. While this is not anticipated to result in nonsense mediated decay, it is expected to disrupt the last 16 amino acid(s) of the CTNNA3 protein. This variant is present in population databases (rs761152565, gnomAD 0.04%), and has an allele count higher than expected for a pathogenic variant. This premature translational stop signal has been observed in individual(s) with cardiomyopathy (PMID: 30847666, 32880476). ClinVar contains an entry for this variant (Variation ID: 409025). In summary, the available evidence is currently insufficient to determine the role of this variant in disease. Therefore, it has been classified as a Variant of Uncertain Significance.

Dasa
Classification: Uncertain significance. Last evaluated: 2026-01-29. Review status: criteria provided, single submitter. Criteria: DASA Assertion Criteria. Collection method: clinical testing. Allele origin: germline.
Comment: NM_013266.4(CTNNA3):c.2638dup (p.Ile880Asnfs*9) is a frameshift variant in CTNNA3 predicted to alter the reading frame and introduce a premature termination codon and is predicted to result in an absent or altered protein product. This variant is rare in population databases. The currently available literature and clinical evidence are not sufficient to establish a definitive association between this variant and the reported condition. Therefore, this variant is classified as a variant of uncertain significance.

Medical Genetics Clinic, University of Catania
Classification: Uncertain significance for Arrhythmogenic right ventricular dysplasia 13. Last evaluated: 2025-03-20. Review status: criteria provided, single submitter. Criteria: ACMG Guidelines, 2015. Collection method: clinical testing. Allele origin: de novo. Affected: yes. Observed: 1 heterozygote.
Comment: The variant c.2638dup (rs761152565) in the CTNNA3 gene introduces a duplication at position 2638 in the last exon of the gene, causing a shift in the reading frame and the substitution of isoleucine at position 880 with an asparagine and the introduction of a premature stop codon after 9 amino acids (p.Ile880Asnfs*9). This premature stop signal has been described in patients with cardiomyopathy (PMID: 32880476). This variant is present in population databases (gnomAD 0.04%). Since the functional impact of the truncated protein remains uncertain and definitive clinical studies are lacking, the variant is classified as Variant of Uncertain Significance.

Blueprint Genetics
Classification: Uncertain significance. Last evaluated: 2024-08-28. Review status: criteria provided, single submitter. Criteria: ACMG Guidelines, 2015. Collection method: clinical testing. Allele origin: germline.

Clinical Genetics DNA and cytogenetics Diagnostics Lab, Erasmus MC, Erasmus Medical Center
Classification: Uncertain significance. Review status: no assertion criteria provided. Collection method: clinical testing. Allele origin: germline. Affected: yes. Study: VKGL Data-share Consensus. Not counted in ClinVar's aggregate classification.

Clinical Genetics, Academic Medical Center
Classification: Uncertain significance. Review status: no assertion criteria provided. Collection method: clinical testing. Allele origin: germline. Affected: yes. Study: VKGL Data-share Consensus. Not counted in ClinVar's aggregate classification.

Diagnostic Laboratory, Department of Genetics, University Medical Center Groningen
Classification: Uncertain significance. Review status: no assertion criteria provided. Collection method: clinical testing. Allele origin: germline. Affected: yes. Study: VKGL Data-share Consensus. Not counted in ClinVar's aggregate classification.

Joint Genome Diagnostic Labs from Nijmegen and Maastricht, Radboudumc and MUMC+
Classification: Uncertain significance. Review status: no assertion criteria provided. Collection method: clinical testing. Allele origin: germline. Affected: yes. Study: VKGL Data-share Consensus. Not counted in ClinVar's aggregate classification.

Literature cited by the submitters: PubMed 30847666 (cited by Labcorp Genetics (formerly Invitae), Labcorp); PubMed 32880476 (cited by Labcorp Genetics (formerly Invitae), Labcorp and Medical Genetics Clinic, University of Catania).

NM_013266.4(CTNNA3):c.2638dup (p.Ile880fs)

Gene: CTNNA3 (catenin alpha 3; minus strand). Cytogenetic location: 10q21.3.
Variant type: Duplication.
Coding change: c.2638dup on transcript NM_013266.4 (MANE Select); coding-DNA position 2638, one base duplicated (A; older notation c.2638dupA).
Protein change: p.Ile880fs; shifts the reading frame from isoleucine 880.
Molecular consequence: frameshift variant.
Genome position (GRCh38, 1-based): chr10:65,920,380, T duplicated on the plus strand (A on the coding strand, the reverse complement: CTNNA3 is on the minus strand); the first of 7 consecutive T bases (chr10:65,920,380-65,920,386); duplicating any one gives the same sequence. VCF-style (leftmost placement, unchanged base first): chr10-65920379-A-AT. GRCh37 (hg19) VCF-style: chr10-67680137-A-AT.
Other names: p.Ile880Asnfs*9; c.2638dup, p.Ile880fs (NM_001127384.3); c.2638_2639insA (NM_001127384.2); c.2638dup (NM_013266.3); short protein forms I880fs.
Identifiers: ClinVar variation 409025 (VCV000409025.21), dbSNP rs761152565, ClinGen allele CA5519531.